The following is an entry in ClinVar:

NM_001429.4(EP300):c.1420C>T (p.Pro474Ser)

Gene: EP300 (EP300 lysine acetyltransferase; plus strand). Cytogenetic location: 22q13.2.
Variant type: single nucleotide variant.
Coding change: c.1420C>T on transcript NM_001429.4 (MANE Select); coding-DNA position 1420, C replaced by T.
Protein change: p.Pro474Ser; replaces proline 474 with serine.
Molecular consequence: missense variant.
Genome position (GRCh38, 1-based): chr22:41,131,525, C>T. VCF-style: chr22-41131525-C-T. GRCh37 (hg19) VCF-style: chr22-41527529-C-T.
Other names: c.1420C>T, p.Pro474Ser (NM_001362843.2); short protein forms P474S.
Identifiers: ClinVar variation 2013722 (VCV002013722.4), dbSNP rs762400446, ClinGen allele CA411685868.

ClinVar aggregate classification (germline): Uncertain significance (1 of 4 stars; one submission).

Conditions:
Rubinstein-Taybi syndrome due to EP300 haploinsufficiency. Also called: EP300-Related Rubinstein-Taybi Syndrome; RUBINSTEIN-TAYBI SYNDROME 2. Identifiers: Orphanet 353284, Orphanet 783, MedGen C3150941, MONDO:0013364, OMIM 613684.

Submission:

Labcorp Genetics (formerly Invitae), Labcorp
Classification: Uncertain significance for Rubinstein-Taybi syndrome due to EP300 haploinsufficiency. Last evaluated: 2022-07-08. Review status: criteria provided, single submitter. Criteria: Invitae Variant Classification Sherloc (09022015). Collection method: clinical testing. Allele origin: germline.
Comment: In summary, the available evidence is currently insufficient to determine the role of this variant in disease. Therefore, it has been classified as a Variant of Uncertain Significance. Advanced modeling of protein sequence and biophysical properties (such as structural, functional, and spatial information, amino acid conservation, physicochemical variation, residue mobility, and thermodynamic stability) performed at Invitae indicates that this missense variant is not expected to disrupt EP300 protein function. This variant has not been reported in the literature in individuals affected with EP300-related conditions. This variant is not present in population databases (gnomAD no frequency). This sequence change replaces proline, which is neutral and non-polar, with serine, which is neutral and polar, at codon 474 of the EP300 protein (p.Pro474Ser).